The following is an entry in ClinVar:

ClinVar aggregate classification (germline): Likely pathogenic (0 of 4 stars; one submission).

Conditions:
Cardiac anomalies - developmental delay - facial dysmorphism syndrome (MRFACD). Also called: MED13L Syndrome; Impaired intellectual development and distinctive facial features with or without cardiac defects. Identifiers: Orphanet 369891, MedGen C5192431, MONDO:0014773, OMIM 616789.

Submission:

Solve-RD Consortium
Classification: Likely pathogenic for Cardiac anomalies - developmental delay - facial dysmorphism syndrome. Last evaluated: 2022-06-01. Review status: no assertion criteria provided. Collection method: provider interpretation. Allele origin: inherited. Affected: yes.
Comment: Variant confirmed as disease-causing by referring clinical team

Variant identified during reanalysis of unsolved cases by the Solve-RD project. The Solve-RD project has received funding from the European Union’s Horizon 2020 research and innovation programme under grant agreement No 779257.

Literature cited by the submitters: PubMed 39825153.

NM_015335.5(MED13L):c.3396C>A (p.Cys1132Ter)

Gene: MED13L (mediator complex subunit 13L; minus strand). Cytogenetic location: 12q24.21.
Variant type: single nucleotide variant.
Coding change: c.3396C>A on transcript NM_015335.5 (MANE Select); coding-DNA position 3396, C replaced by A.
Protein change: p.Cys1132Ter; replaces cysteine 1132 with a stop codon.
Molecular consequence: nonsense.
Genome position (GRCh38, 1-based): chr12:115,991,558, G>T on the plus strand (C>A on the coding strand, the complement: MED13L is on the minus strand). VCF-style: chr12-115991558-G-T. GRCh37 (hg19) VCF-style: chr12-116429363-G-T.
Other names: short protein forms C1132*.
Identifiers: ClinVar variation 3256760 (VCV003256760.1).